The following is an entry in ClinVar:

NM_138459.5(NUS1):c.755G>A (p.Gly252Asp)

Gene: NUS1 (NUS1 dehydrodolichyl diphosphate synthase subunit; plus strand). Cytogenetic location: 6q22.1.
Variant type: single nucleotide variant.
Coding change: c.755G>A on transcript NM_138459.5 (MANE Select); coding-DNA position 755, G replaced by A.
Protein change: p.Gly252Asp; replaces glycine 252 with aspartic acid.
Molecular consequence: missense variant.
Genome position (GRCh38, 1-based): chr6:117,703,668, G>A. VCF-style: chr6-117703668-G-A. GRCh37 (hg19) VCF-style: chr6-118024831-G-A.
Other names: short protein forms G252D.
Identifiers: ClinVar variation 4055876 (VCV004055876.1).

ClinVar aggregate classification (germline): Uncertain significance (1 of 4 stars; one submission).

Submission:

GeneDx
Classification: Uncertain significance. Last evaluated: 2025-07-08. Review status: criteria provided, single submitter. Criteria: GeneDx Variant Classification Process June 2021. Collection method: clinical testing. Allele origin: germline. Affected: yes.
Comment: Not observed at significant frequency in large population cohorts (gnomAD); In silico analysis supports that this missense variant has a deleterious effect on protein structure/function; Has not been previously published as pathogenic or benign to our knowledge